The following is an entry in ClinVar:

ClinVar aggregate classification (germline): Uncertain significance (1 of 4 stars; one submission).

Conditions:
Wilson disease (WND). Also called: Wilson's disease. Identifiers: Orphanet 905, MedGen C0019202, MONDO:0010200, OMIM 277900. Disease mechanism: loss of function.

gnomAD v4.1: 3 of 1,614,122 alleles (0.00019%); highest among the groups gnomAD compares: South Asian, 0.0022%; no homozygotes.

Submission:

Dr. Moinak Lab, Sanjay Gandhi Postgraduate Institute of Medical Sciences
Classification: Uncertain significance for Wilson disease. Last evaluated: 2024-04-20. Review status: criteria provided, single submitter. Criteria: ACMG Guidelines, 2015. Collection method: clinical testing. Allele origin: germline. Inheritance: Autosomal recessive inheritance. Affected: yes. Observed: 1 homozygote.
Comment: ATP7B: c.2355+3A>G is a novel intronic variant involving a single nucleotide substitution from T to C. It is located in intron 8, this variant may potentially affect normal splicing.

Literature cited by the submitters: PubMed 20301685.

NM_000053.4(ATP7B):c.2355+3A>G

Gene: ATP7B (ATPase copper transporting beta; minus strand). Cytogenetic location: 13q14.3.
Variant type: single nucleotide variant.
Coding change: c.2355+3A>G on transcript NM_000053.4 (MANE Select); 3 bases into the intron after coding-DNA position 2355, A replaced by G.
Molecular consequence: intron variant.
Genome position (GRCh38, 1-based): chr13:51,958,308, T>C on the plus strand (A>G on the coding strand, the complement: ATP7B is on the minus strand). VCF-style: chr13-51958308-T-C. GRCh37 (hg19) VCF-style: chr13-52532444-T-C.
Other names: c.1870-701A>G (NM_001406541.1, NM_001005918.3, NM_001406546.1 and 1 more transcripts); c.2103+3A>G (NM_001406531.1, NM_001406532.1, NM_001406540.1 and 1 more transcripts); c.2122-701A>G (NM_001406527.1, NM_001406528.1, NM_001406534.1 and 2 more transcripts); c.2211+3A>G (NM_001406537.1, NM_001406521.1, NM_001406522.1 and 1 more transcripts); c.2355+3A>G (NM_001406513.1, NM_001406511.1, NM_001406516.1 and 7 more transcripts); c.2007+3A>G (NM_001406543.1); c.2022+3A>G (NM_001243182.2); c.1286-8147A>G (NM_001406548.1); and 8 more.
Identifiers: ClinVar variation 4529471 (VCV004529471.1).